The following is an entry in ClinVar:

ClinVar aggregate classification (germline): Uncertain significance (1 of 4 stars; one submission).

Conditions:
Infantile spasms. Also called: Infantile spasm. Identifiers: MedGen C3887898, HP:0012469.

Submission:

Labcorp Genetics (formerly Invitae), Labcorp
Classification: Uncertain significance for Infantile spasms. Last evaluated: 2024-10-22. Review status: criteria provided, single submitter. Criteria: Invitae Variant Classification Sherloc (09022015). Collection method: clinical testing. Allele origin: germline.
Comment: This sequence change falls in intron 12 of the PIK3AP1 gene. It does not directly change the encoded amino acid sequence of the PIK3AP1 protein. It affects a nucleotide within the consensus splice site. This variant is not present in population databases (gnomAD no frequency). This variant has not been reported in the literature in individuals affected with PIK3AP1-related conditions. Variants that disrupt the consensus splice site are a relatively common cause of aberrant splicing (PMID: 17576681, 9536098). Algorithms developed to predict the effect of sequence changes on RNA splicing suggest that this variant is not likely to affect RNA splicing. In summary, the available evidence is currently insufficient to determine the role of this variant in disease. Therefore, it has been classified as a Variant of Uncertain Significance.

Literature cited by the submitters: PubMed 17576681; PubMed 9536098.

NM_152309.3(PIK3AP1):c.1941+4A>G

Gene: PIK3AP1 (phosphoinositide-3-kinase adaptor protein 1; minus strand). Cytogenetic location: 10q24.1.
Variant type: single nucleotide variant.
Coding change: c.1941+4A>G on transcript NM_152309.3 (MANE Select); 4 bases into the intron after coding-DNA position 1941, A replaced by G.
Molecular consequence: intron variant.
Genome position (GRCh38, 1-based): chr10:96,620,348, T>C on the plus strand (A>G on the coding strand, the complement: PIK3AP1 is on the minus strand). VCF-style: chr10-96620348-T-C. GRCh37 (hg19) VCF-style: chr10-98380105-T-C.
Identifiers: ClinVar variation 3656353 (VCV003656353.2).